The following is an entry in ClinVar:

NM_024675.4(PALB2):c.1443T>C (p.Leu481=)

Gene: PALB2 (partner and localizer of BRCA2; minus strand). Cytogenetic location: 16p12.2.
Variant type: single nucleotide variant.
Coding change: c.1443T>C on transcript NM_024675.4 (MANE Select); coding-DNA position 1443, T replaced by C.
Protein change: p.Leu481=; no amino-acid change (leucine 481 retained).
Molecular consequence: synonymous variant. On other transcripts: intron variant (3).
Genome position (GRCh38, 1-based): chr16:23,635,103, A>G on the plus strand (T>C on the coding strand, the complement: PALB2 is on the minus strand). VCF-style: chr16-23635103-A-G. GRCh37 (hg19) VCF-style: chr16-23646424-A-G.
Other names: c.1383T>C, p.Leu461= (NM_001407296.1); c.1443T>C, p.Leu481= (NM_001407297.1, NM_001407298.1, NM_001407299.1 and 3 more transcripts); c.558T>C, p.Leu186= (NM_001407304.1, NM_001407305.1, NM_001407306.1 and 5 more transcripts); c.49-5828T>C (NM_001407314.1); c.-104-4634T>C (NM_001407313.1, NM_001407312.1).
Identifiers: ClinVar variation 2697041 (VCV002697041.4), dbSNP rs2142415807, ClinGen allele CA494461456.

ClinVar aggregate classification (germline): Benign/Likely benign. Review status: criteria provided, multiple submitters, no conflicts (2 of 4 stars). 2 submissions from 2 submitters: Benign (1); Likely benign (1). Last evaluated 2025-01-13.

Conditions:
Familial cancer of breast. Also called: hereditary breast carcinoma; Hereditary breast cancer; BREAST CANCER, FAMILIAL. Identifiers: Orphanet 227535, MedGen C0346153, MONDO:0016419, OMIM 114480. Disease mechanism: loss of function.

Submissions (2):

Myriad Genetics, Inc.
Classification: Benign for Familial cancer of breast. Last evaluated: 2025-01-13. Review status: criteria provided, single submitter. Criteria: Myriad Autosomal Dominant, Autosomal Recessive and X-Linked Classification Criteria (2023). Collection method: clinical testing. Allele origin: unknown.
Comment: This variant is considered benign. This variant is a silent/synonymous amino acid change and it is not expected to impact splicing.

Labcorp Genetics (formerly Invitae), Labcorp
Classification: Likely benign for Familial cancer of breast. Last evaluated: 2023-11-18. Review status: criteria provided, single submitter. Criteria: Invitae Variant Classification Sherloc (09022015). Collection method: clinical testing. Allele origin: germline.